The following is an entry in ClinVar:

NM_000384.3(APOB):c.584G>A (p.Arg195Lys)

Gene: APOB (apolipoprotein B; minus strand). Cytogenetic location: 2p24.1.
Variant type: single nucleotide variant.
Coding change: c.584G>A on transcript NM_000384.3 (MANE Select); coding-DNA position 584, G replaced by A.
Protein change: p.Arg195Lys; replaces arginine 195 with lysine.
Molecular consequence: missense variant.
Genome position (GRCh38, 1-based): chr2:21,037,209, C>T on the plus strand (G>A on the coding strand, the complement: APOB is on the minus strand). VCF-style: chr2-21037209-C-T. GRCh37 (hg19) VCF-style: chr2-21260081-C-T.
Other names: short protein forms R195K.
Identifiers: ClinVar variation 5016524 (VCV005016524.1).

ClinVar aggregate classification (germline): Uncertain significance (1 of 4 stars; one submission).

Conditions:
Familial hypercholesterolemia. Also called: Familial hypercholesterolemias; Familial hypercholesterolaemia. Identifiers: MedGen C0020445, MONDO:0005439.

Submission:

Cambridge Genomics Laboratory, East Genomic Laboratory Hub, NHS Genomic Medicine Service
Classification: Uncertain significance for Familial hypercholesterolaemia. Last evaluated: 2026-09-29. Review status: criteria provided, single submitter. Criteria: ACGS Best Practice Guidelines for Variant Classification in Rare Disease 2020. Collection method: clinical testing. Allele origin: germline. Affected: yes.
Comment: PM2_Supporting,PP4